The following is an entry in ClinVar:

ClinVar aggregate classification (germline): Uncertain significance (1 of 4 stars; one submission).

Conditions:
Retinitis pigmentosa 59 (RP59). Identifiers: Orphanet 791, MedGen C3151227, MONDO:0013468, OMIM 613861.

Submission:

Labcorp Genetics (formerly Invitae), Labcorp
Classification: Uncertain significance for Retinitis pigmentosa 59. Last evaluated: 2023-11-15. Review status: criteria provided, single submitter. Criteria: Invitae Variant Classification Sherloc (09022015). Collection method: clinical testing. Allele origin: germline.
Comment: This sequence change replaces glutamine, which is neutral and polar, with proline, which is neutral and non-polar, at codon 281 of the DHDDS protein (p.Gln281Pro). This variant is not present in population databases (gnomAD no frequency). This variant has not been reported in the literature in individuals affected with DHDDS-related conditions. An algorithm developed to predict the effect of missense changes on protein structure and function (PolyPhen-2) suggests that this variant is likely to be tolerated. In summary, the available evidence is currently insufficient to determine the role of this variant in disease. Therefore, it has been classified as a Variant of Uncertain Significance.

NM_205861.3(DHDDS):c.839A>C (p.Gln280Pro)

Gene: DHDDS (dehydrodolichyl diphosphate synthase subunit; plus strand). Cytogenetic location: 1p36.11.
Variant type: single nucleotide variant.
Coding change: c.839A>C on transcript NM_205861.3 (MANE Select); coding-DNA position 839, A replaced by C.
Protein change: p.Gln280Pro; replaces glutamine 280 with proline.
Molecular consequence: missense variant.
Genome position (GRCh38, 1-based): chr1:26,468,968, A>C. VCF-style: chr1-26468968-A-C. GRCh37 (hg19) VCF-style: chr1-26795459-A-C.
Other names: c.737A>C, p.Gln246Pro (NM_001243564.2); c.722A>C, p.Gln241Pro (NM_001243565.2); c.560A>C, p.Gln187Pro (NM_001319959.2); c.842A>C, p.Gln281Pro (NM_024887.4); short protein forms Q187P, Q280P, Q241P, Q246P, Q281P.
Identifiers: ClinVar variation 2695795 (VCV002695795.3), dbSNP rs2524815092, ClinGen allele CA339145664.